The following is an entry in ClinVar:

ClinVar aggregate classification (germline): Uncertain significance (1 of 4 stars; one submission).

Conditions:
Frontotemporal dementia and/or amyotrophic lateral sclerosis 4. Also called: FTDALS4. Identifiers: Orphanet 275872, MedGen C4225325, MONDO:0014641, OMIM 616439.

Submission:

Labcorp Genetics (formerly Invitae), Labcorp
Classification: Uncertain significance for Frontotemporal dementia and/or amyotrophic lateral sclerosis 4. Last evaluated: 2020-07-15. Review status: criteria provided, single submitter. Criteria: Invitae Variant Classification Sherloc (09022015). Collection method: clinical testing. Allele origin: germline.
Comment: This sequence change falls in intron 4 of the TBK1 gene. It does not directly change the encoded amino acid sequence of the TBK1 protein, but it affects a nucleotide within the consensus splice site of the intron. This variant is not present in population databases (ExAC no frequency). This variant has been observed in individual(s) with clinical features of amyotrophic lateral sclerosis (PMID: 28822984). Nucleotide substitutions within the consensus splice site are a relatively common cause of aberrant splicing (PMID: 17576681, 9536098). Experimental studies have shown that this variant disrupts mRNA splicing (PMID: 28822984). In summary, the available evidence is currently insufficient to determine the role of this variant in disease. Therefore, it has been classified as a Variant of Uncertain Significance.

Literature cited by the submitters: PubMed 28822984; PubMed 17576681; PubMed 9536098.

NM_013254.4(TBK1):c.358+5G>A

Gene: TBK1 (TANK binding kinase 1; plus strand). Cytogenetic location: 12q14.2.
Variant type: single nucleotide variant.
Coding change: c.358+5G>A on transcript NM_013254.4 (MANE Select); 5 bases into the intron after coding-DNA position 358, G replaced by A.
Molecular consequence: intron variant.
Genome position (GRCh38, 1-based): chr12:64,464,468, G>A. VCF-style: chr12-64464468-G-A. GRCh37 (hg19) VCF-style: chr12-64858248-G-A.
Identifiers: ClinVar variation 1052740 (VCV001052740.7), dbSNP rs2136061124, ClinGen allele CA2499221827.